The following is an entry in ClinVar:

NM_000049.4(ASPA):c.604G>C (p.Ala202Pro)

Genes: ASPA (aspartoacylase; plus strand), SPATA22 (spermatogenesis associated 22; minus strand). Cytogenetic location: 17p13.2.
Variant type: single nucleotide variant.
Coding change: c.604G>C on transcript NM_000049.4 (MANE Select); coding-DNA position 604, G replaced by C.
Protein change: p.Ala202Pro; replaces alanine 202 with proline.
Molecular consequence: missense variant. On other transcripts: intron variant (2).
Genome position (GRCh38, 1-based): chr17:3,489,312, G>C. VCF-style: chr17-3489312-G-C. GRCh37 (hg19) VCF-style: chr17-3392606-G-C.
Other names: c.604G>C, p.Ala202Pro (NM_001128085.1); c.-73-19914C>G (NM_001321336.2, NM_001321337.2); short protein forms A202P.
Identifiers: ClinVar variation 488070 (VCV000488070.3), dbSNP rs147763700, ClinGen allele CA397684607.

ClinVar aggregate classification (germline): Likely pathogenic (1 of 4 stars; one submission).

Conditions:
Spongy degeneration of central nervous system. Also called: Canavan disease; Von Bogaert-Bertrand disease; ACY2 DEFICIENCY; AMINOACYLASE 2 DEFICIENCY; ASP DEFICIENCY; ASPA DEFICIENCY. Identifiers: Orphanet 141, MedGen C0206307, MONDO:0010079, OMIM 271900.

gnomAD v4.1: 1 of 1,613,040 alleles (0.000062%); no homozygotes.

Submission:

Genomics For Life
Classification: Likely pathogenic for Canavan disease. Last evaluated: 2017-09-28. Review status: criteria provided, single submitter. Criteria: ACMG Guidelines, 2015. Collection method: clinical testing. Allele origin: germline. Affected: yes.
Comment: Based on the ACMG Guidelines 2015, the ASPA c.604G>C; p.Ala202Pro variant was originally classified as a Variant of Unknown Significance. Segregation analysis indicates that the ASPA c.820G>A; Based on this segregation data and the ACMG Guidelines 2015, the ASPA c.604G>C; p.Ala202Pro variant is classified as a Likely Pathogenic (Class 4 in the IARC 5-Class system) variant (Located in a mutational hot spot and/or critical and well-established functional domain (e.g., active site of an enzyme) without benign variation; Absent from controls (or at extremely low frequency if recessive) in Exome Sequencing Project, 1000 Genomes Project, or Exome Aggregation Consortium; For recessive disorders, detected in trans with a pathogenic variant; Cosegregation with disease in multiple affected family members in a gene definitively known to cause the disease; Missense variant in a gene that has a low rate of benign missense variation and in which missense variants are a common mechanism of disease; Multiple lines of computational evidence support a deleterious effect on the gene or gene product; Patient's phenotype or family history is highly specific for a disease with a single genetic aetiology). The ASPA c.604G>C; p.Ala202Pro variant occurs within the N-terminal domain of the protein (Bitto, Bingman et al. 2007). Approximately 60% of known missense mutations of ASPA are located within the N-terminal domain (Bitto, Bingman et al. 2007). The ASPA c.604G>C; p.Ala202Pro variant substitutes a nonpolar hydrophobic amino acid Proline for a nonpolar hydrophobic amino acid Alanine. Proline (Pro) is unique among the 20 naturally occurring amino acid residues (Bajaj, Madhusudhan et al. 2007). Pro lacks an amide proton and the main chain amide N is incapable of forming H-bonds (hydrogen bonds) (Bajaj, Madhusudhan et al. 2007). Hence, substituting a residue involved in a main chain H-bond with Pro could destabilize the protein (Bajaj, Madhusudhan et al. 2007). The rigid pyrrolidine ring of Pro constrains the main chain dihedral angle Phi to a narrow range of values close to -65 degrees (Bajaj, Madhusudhan et al. 2007). It has also been observed that Pro restricts the conformation of the residue preceding it in a protein sequence (Bajaj, Madhusudhan et al. 2007).